The following is an entry in ClinVar:

NM_002894.3(RBBP8):c.1009A>G (p.Lys337Glu)

Gene: RBBP8 (RB binding protein 8, endonuclease; plus strand). Cytogenetic location: 18q11.2.
Variant type: single nucleotide variant.
Coding change: c.1009A>G on transcript NM_002894.3 (MANE Select); coding-DNA position 1009, A replaced by G.
Protein change: p.Lys337Glu; replaces lysine 337 with glutamic acid.
Molecular consequence: missense variant.
Genome position (GRCh38, 1-based): chr18:22,992,836, A>G. VCF-style: chr18-22992836-A-G. GRCh37 (hg19) VCF-style: chr18-20572799-A-G.
Other names: c.1009A>G, p.Lys337Glu (NM_203291.2, NM_203292.2); short protein forms K337E.
Identifiers: ClinVar variation 5824 (VCV000005824.5), dbSNP rs121434388, ClinGen allele CA117794.

ClinVar aggregate classification (germline): Uncertain significance. Review status: criteria provided, single submitter (1 of 4 stars). 2 submissions from 2 submitters: Uncertain significance (1). 1 of the submissions does not count toward it. Last evaluated 2025-12-08.

Conditions:
Carcinoma of pancreas. Also called: Exocrine pancreatic carcinoma; PANCREATIC ACINAR CARCINOMA; PANCREATIC CARCINOMA; Pancreatic cancer, somatic; Pancreatic carcinoma, somatic. Identifiers: Orphanet 1333, Orphanet 217074, MedGen C0235974, MONDO:0005192. Disease mechanism: loss of function.

Allele frequency attached by ClinVar (database versions not stated): TOPMed 0.00021; gnomAD exomes 0.00024 and 0.00028; gnomAD 0.00017; ExAC 0.00026.
gnomAD v4.1: 425 of 1,612,938 alleles (0.026%); highest among the groups gnomAD compares: Non-Finnish European, 0.034%; no homozygotes.

Submissions (2):

Labcorp Genetics (formerly Invitae), Labcorp
Classification: Uncertain significance. Last evaluated: 2025-12-08. Review status: criteria provided, single submitter. Criteria: Invitae Variant Classification Sherloc (09022015). Collection method: clinical testing. Allele origin: germline.
Comment: This sequence change replaces lysine, which is basic and polar, with glutamic acid, which is acidic and polar, at codon 337 of the RBBP8 protein (p.Lys337Glu). This variant is present in population databases (rs121434388, gnomAD 0.05%). This variant has not been reported in the literature in individuals affected with RBBP8-related conditions. ClinVar contains an entry for this variant (Variation ID: 5824). Invitae Evidence Modeling of protein sequence and biophysical properties (such as structural, functional, and spatial information, amino acid conservation, physicochemical variation, residue mobility, and thermodynamic stability) indicates that this missense variant is not expected to disrupt RBBP8 protein function with a negative predictive value of 80%. In summary, the available evidence is currently insufficient to determine the role of this variant in disease. Therefore, it has been classified as a Variant of Uncertain Significance.

OMIM
Classification: Pathogenic for PANCREATIC CARCINOMA, SOMATIC. Last evaluated: 1998-11-05. Review status: no assertion criteria provided. Collection method: literature only. Allele origin: somatic. Not counted in ClinVar's aggregate classification.

Literature cited by the submitters: PubMed 9811458 (cited by OMIM).